The following is an entry in ClinVar:

ClinVar aggregate classification (germline): Uncertain significance (1 of 4 stars; one submission).

Submission:

GeneDx
Classification: Uncertain significance. Last evaluated: 2022-08-22. Review status: criteria provided, single submitter. Criteria: GeneDx Variant Classification Process June 2021. Collection method: clinical testing. Allele origin: germline. Affected: yes.
Comment: Not observed at significant frequency in large population cohorts (gnomAD); In silico analysis supports that this missense variant has a deleterious effect on protein structure/function; Has not been previously published as pathogenic or benign to our knowledge

NM_001003800.2(BICD2):c.2196G>T (p.Glu732Asp)

Gene: BICD2 (BICD cargo adaptor 2; minus strand). Cytogenetic location: 9q22.31.
Variant type: single nucleotide variant.
Coding change: c.2196G>T on transcript NM_001003800.2 (MANE Select); coding-DNA position 2196, G replaced by T.
Protein change: p.Glu732Asp; replaces glutamic acid 732 with aspartic acid.
Molecular consequence: missense variant.
Genome position (GRCh38, 1-based): chr9:92,717,859, C>A on the plus strand (G>T on the coding strand, the complement: BICD2 is on the minus strand). VCF-style: chr9-92717859-C-A. GRCh37 (hg19) VCF-style: chr9-95480141-C-A.
Other names: c.2196G>T, p.Glu732Asp (NM_015250.4); short protein forms E732D.
Identifiers: ClinVar variation 2443613 (VCV002443613.1), dbSNP rs367722713, ClinGen allele CA374032548.
Genomic context (GRCh38, chr9:92,717,859, plus strand): 5'-GGTGGCAAACATAGCACGCAGCGAGGAGAAGGTGGCTGCGTCCTCCTTGAGGGCCTTGAG[C>A]TCATTGCGCAGCTTCATCATGGTCTCGGTAACCATGGCCTTCTCATTCTCATACTTGCTC-3'
Protein context (NP_001003800.1, residues 722-742): VTETMMKLRN[Glu732Asp]LKALKEDAAT